The following is an entry in ClinVar:

NM_025103.4(IFT74):c.1576T>C (p.Tyr526His)

Gene: IFT74 (intraflagellar transport 74; plus strand). Cytogenetic location: 9p21.2.
Variant type: single nucleotide variant.
Coding change: c.1576T>C on transcript NM_025103.4 (MANE Select); coding-DNA position 1576, T replaced by C.
Protein change: p.Tyr526His; replaces tyrosine 526 with histidine.
Molecular consequence: missense variant.
Genome position (GRCh38, 1-based): chr9:27,056,412, T>C. VCF-style: chr9-27056412-T-C. GRCh37 (hg19) VCF-style: chr9-27056410-T-C.
Other names: c.1576T>C, p.Tyr526His (NM_001099222.3, NM_001099223.3, NM_001349928.2); c.1576T>C (NM_025103.2); short protein forms Y526H.
Identifiers: ClinVar variation 2169283 (VCV002169283.5), dbSNP rs200671414, ClinGen allele CA5015703.
Genomic context (GRCh38, chr9:27,056,412, plus strand): 5'-ATGATATTATCAACCCACAGAAATGCCTTTAAGAAAATAATGGAGAAGCAAAACATAGAG[T>C]ATGAGGCACTAAAAACACAATTGCAAGAAAATGAGACACATTCTCAGGTAAAAAATGTTT-3'
Protein context (NP_079379.2, residues 516-536): KKIMEKQNIE[Tyr526His]EALKTQLQEN

ClinVar aggregate classification (germline): Uncertain significance. Review status: criteria provided, multiple submitters, no conflicts (2 of 4 stars). 2 submissions from 2 submitters: Uncertain significance (2). Last evaluated 2026-04-24.

Conditions:
IFT74-related disorder. Also called: IFT74-related condition; IFT74-Related Disorders.

Allele frequency attached by ClinVar (database versions not stated): 1000 Genomes Project 30x 0.00047; ESP Exome Variant Server 0.00059; gnomAD exomes 0.00003; ExAC 0.00014; TOPMed 0.00039; 1000 Genomes Project 0.00040; gnomAD 0.00043.
gnomAD v4.1: 107 of 1,600,424 alleles (0.0067%); highest among the groups gnomAD compares: African/African-American, 0.13%; no homozygotes.

Submissions (2):

PreventionGenetics, part of Exact Sciences
Classification: Uncertain significance for IFT74-related condition. Last evaluated: 2026-04-24. Review status: criteria provided, single submitter. Criteria: ACMG Guidelines, 2015. Collection method: clinical testing. Allele origin: germline.
Comment: The IFT74 c.1576T>C variant is predicted to result in the amino acid substitution p.Tyr526His. To our knowledge, this variant has not been reported in the literature. This variant is reported in 0.14% of alleles in individuals of African descent in gnomAD, which may be too frequent to be a primary cause of disease. Although we suspect that this variant may be benign, at this time, the clinical significance of this variant is uncertain due to the absence of conclusive functional and genetic evidence.

Labcorp Genetics (formerly Invitae), Labcorp
Classification: Uncertain significance. Last evaluated: 2024-01-08. Review status: criteria provided, single submitter. Criteria: Invitae Variant Classification Sherloc (09022015). Collection method: clinical testing. Allele origin: germline.
Comment: This sequence change replaces tyrosine, which is neutral and polar, with histidine, which is basic and polar, at codon 526 of the IFT74 protein (p.Tyr526His). This variant is present in population databases (rs200671414, gnomAD 0.1%). This variant has not been reported in the literature in individuals affected with IFT74-related conditions. ClinVar contains an entry for this variant (Variation ID: 2169283). Algorithms developed to predict the effect of missense changes on protein structure and function output the following: SIFT: "Not Available"; PolyPhen-2: "Benign"; Align-GVGD: "Not Available". The histidine amino acid residue is found in multiple mammalian species, which suggests that this missense change does not adversely affect protein function. In summary, the available evidence is currently insufficient to determine the role of this variant in disease. Therefore, it has been classified as a Variant of Uncertain Significance.